The following is an entry in ClinVar:

ClinVar aggregate classification (germline): Likely pathogenic (1 of 4 stars; one submission).

Conditions:
Autism (AUTS). Also called: Autistic disorder; Autistic disorder of childhood onset. Identifiers: MedGen C0004352, MeSH D001321, MONDO:0005260, OMIM 209850, HP:0000717.

Submission:

Clinical Genetics Laboratory, Skane University Hospital Lund
Classification: Likely pathogenic for Autism. Last evaluated: 2026-03-05. Review status: criteria provided, single submitter. Criteria: ACMG Guidelines, 2015. Collection method: clinical testing. Allele origin: de novo. Inheritance: Autosomal dominant inheritance. Affected: yes.
Comment: PVS1_Strong, PS2_Supporting and PM2.

NM_001037333.3(CYFIP2):c.2156+2T>G

Gene: CYFIP2 (cytoplasmic FMR1 interacting protein 2; plus strand). Cytogenetic location: 5q33.3.
Variant type: single nucleotide variant.
Coding change: c.2156+2T>G on transcript NM_001037333.3 (MANE Select); the canonical splice donor site of the intron after coding-DNA position 2156, T replaced by G.
Molecular consequence: splice donor variant.
Genome position (GRCh38, 1-based): chr5:157,328,051, T>G. VCF-style: chr5-157328051-T-G. GRCh37 (hg19) VCF-style: chr5-156755059-T-G.
Other names: c.2231+2T>G (NM_001291722.2); c.2078+2T>G (NM_001291721.2); c.2156+2T>G (NM_014376.4).
Identifiers: ClinVar variation 4813221 (VCV004813221.1).